The following is an entry in ClinVar:

ClinVar aggregate classification (germline): Benign. Review status: reviewed by expert panel (3 of 4 stars). 8 submissions from 8 submitters: Benign (1). 7 of the submissions do not count toward it. Last evaluated 2025-05-19.

Conditions:
Juvenile retinoschisis (RS1). Also called: X-linked retinoschisis; X-Linked Juvenile Retinoschisis. Identifiers: Orphanet 792, MedGen C3714753, MONDO:0010725, OMIM 312700.
Retinal dystrophy. Also called: Inherited retinal dystrophy. Identifiers: Orphanet 71862, MedGen C0854723, MeSH D058499, MONDO:0019118, HP:0000556.

Allele frequency attached by ClinVar (database versions not stated): 1000 Genomes Project 0.00079; gnomAD exomes 0.00123 and 0.00181; gnomAD 0.00178 and 0.00170; TOPMed 0.00063; 1000 Genomes Project 30x 0.00083; ESP Exome Variant Server 0.00038; ExAC 0.00146.
gnomAD v4.1: 1,532 of 1,210,174 alleles (0.13%); highest among the groups gnomAD compares: Non-Finnish European, 0.088%; 7 homozygotes.

Submissions (8):

ClinGen X-linked Inherited Retinal Disease Variant Curation Expert Panel, ClinGen
Classification: Benign for Juvenile retinoschisis. Last evaluated: 2025-05-19. Review status: reviewed by expert panel. Criteria: ClinGen X LinkedIRD ACMG Specifications RS1 V1.0.0. Collection method: curation. Allele origin: germline. Inheritance: X-linked inheritance.
Comment: The NM_000330.4(RS1):c.548C>T variant is a missense variant encoding the substitution of Threonine with Isoleucine at amino acid 183. This variant is present in gnomAD v.4.1.0 at a frequency of 0.001272 among hemizygous individuals, with 506 variant alleles / 397702 total alleles, which is higher than the ClinGen X-linked IRD VCEP BA1 threshold of >0.0002 (BA1). The computational predictor REVEL gives a score of 0.554, which is between the ClinGen X-linked IRD VCEP thresholds of >0.664 and <0.290 and does not predict a damaging effect on RS1 function. Additionally, the splicing impact predictor SpliceAI gives a score of 0.00, which is below the ClinGen X-linked IRD VCEP recommended threshold of ≥0.2 and does not strongly predict an impact on splicing. Collectively, the BP4 and PP3 codes are not met. In summary, this variant is classified as benign for X-linked retinoschisis based on the ClinGen X-linked Inherited Retinal Disease Expert Panel Specifications to the ACMG/AMP Variant Interpretation Guidelines for RS1 Version 1.0.0: BA1 (date of approval 01/24/2025).

Labcorp Genetics (formerly Invitae), Labcorp
Classification: Benign. Last evaluated: 2026-01-31. Review status: criteria provided, single submitter. Criteria: Invitae Variant Classification Sherloc (09022015). Collection method: clinical testing. Allele origin: germline. Not counted in ClinVar's aggregate classification.

Blueprint Genetics
Classification: Benign. Last evaluated: 2024-11-28. Review status: criteria provided, single submitter. Criteria: ACMG Guidelines, 2015. Collection method: clinical testing. Allele origin: germline. Not counted in ClinVar's aggregate classification.

Institute of Human Genetics, Univ. Regensburg, Univ. Regensburg
Classification: Benign for Retinal dystrophy. Last evaluated: 2021-01-01. Review status: no assertion criteria provided. Criteria: ACMG Guidelines, 2015. Collection method: clinical testing. Allele origin: germline. Affected: yes. Not counted in ClinVar's aggregate classification.

Natera, Inc.
Classification: Likely benign for X-linked retinoschisis. Last evaluated: 2020-04-11. Review status: no assertion criteria provided. Collection method: clinical testing. Allele origin: germline. Not counted in ClinVar's aggregate classification.

Clinical Genetics DNA and cytogenetics Diagnostics Lab, Erasmus MC, Erasmus Medical Center
Classification: Benign. Review status: no assertion criteria provided. Collection method: clinical testing. Allele origin: germline. Affected: yes. Study: VKGL Data-share Consensus. Not counted in ClinVar's aggregate classification.

Clinical Genetics, Academic Medical Center
Classification: Benign. Review status: no assertion criteria provided. Collection method: clinical testing. Allele origin: germline. Affected: yes. Study: VKGL Data-share Consensus. Not counted in ClinVar's aggregate classification.

Laboratory of Diagnostic Genome Analysis, Leiden University Medical Center (LUMC)
Classification: Likely benign. Review status: no assertion criteria provided. Collection method: clinical testing. Allele origin: germline. Affected: yes. Study: VKGL Data-share Consensus. Not counted in ClinVar's aggregate classification.

NM_000330.4(RS1):c.548C>T (p.Thr183Ile)

Genes: CDKL5 (cyclin dependent kinase like 5; plus strand), RS1 (retinoschisin 1; minus strand). Cytogenetic location: Xp22.13.
Variant type: single nucleotide variant.
Coding change: c.548C>T on transcript NM_000330.4 (MANE Select); coding-DNA position 548, C replaced by T.
Protein change: p.Thr183Ile; replaces threonine 183 with isoleucine.
Molecular consequence: missense variant. On other transcripts: intron variant (2).
Genome position (GRCh38, 1-based): chrX:18,642,131, G>A on the plus strand (C>T on the coding strand, the complement: RS1 is on the minus strand). VCF-style: chrX-18642131-G-A. GRCh37 (hg19) VCF-style: chrX-18660251-G-A.
Other names: NM_000330.4(RS1):c.548C>T; p.Thr183Ile; c.2714-3876G>A (NM_003159.3, NM_001037343.2); short protein forms T183I.
Identifiers: ClinVar variation 736967 (VCV000736967.19), dbSNP rs150172233, ClinGen allele CA10360607.